The following is an entry in ClinVar:

ClinVar aggregate classification (germline): Uncertain significance (1 of 4 stars; one submission).

Conditions:
Mitochondrial DNA depletion syndrome 1. Also called: Mitochondrial DNA Depletion Syndrome, MNGIE Form; Mitochondrial DNA depletion syndrome 1 (MNGIE type); Mitochondrial neurogastrointestinal encephalomyopathy syndrome; POLIP SYNDROME; POLYNEUROPATHY, OPHTHALMOPLEGIA, LEUKOENCEPHALOPATHY, AND INTESTINAL PSEUDOOBSTRUCTION; Mitochondrial Neurogastrointestinal Encephalopathy Disease. Identifiers: Orphanet 298, MedGen C4551995, MONDO:0011283, OMIM 603041.

Allele frequency attached by ClinVar (database versions not stated): gnomAD 0.00001; TOPMed 0.00001.
gnomAD v4.1: 88 of 1,610,130 alleles (0.0055%); highest among the groups gnomAD compares: Non-Finnish European, 0.0073%; no homozygotes.

Submission:

Illumina Laboratory Services, Illumina
Classification: Uncertain significance for Mitochondrial DNA depletion syndrome 1. Last evaluated: 2017-04-27. Review status: criteria provided, single submitter. Criteria: ICSL Variant Classification Criteria 13 December 2019. Collection method: clinical testing. Allele origin: germline.
Comment: This variant was observed as part of a predisposition screen in an ostensibly healthy population. A literature search was performed for the gene, cDNA change, and amino acid change (where applicable). Publications were found based on this search. However, the evidence from the literature, in combination with allele frequency data from public databases where available, was not sufficient to rule this variant in or out of causing disease. Therefore, this variant is classified as a variant of unknown significance.

Literature cited by the submitters: PubMed 21933806.

NM_001953.5(TYMP):c.1402G>T (p.Ala468Ser)

Genes: SCO2 (synthesis of cytochrome C oxidase 2; minus strand), TYMP (thymidine phosphorylase; minus strand), LOC130067862 (ATAC-STARR-seq lymphoblastoid silent region 13986; plus strand). Cytogenetic location: 22q13.33.
Variant type: single nucleotide variant.
Coding change: c.1402G>T on transcript NM_001953.5 (MANE Select); coding-DNA position 1402, G replaced by T.
Protein change: p.Ala468Ser; replaces alanine 468 with serine.
Molecular consequence: missense variant. On other transcripts: intron variant (2).
Genome position (GRCh38, 1-based): chr22:50,525,817, C>A on the plus strand (G>T on the coding strand, the complement: TYMP is on the minus strand). VCF-style: chr22-50525817-C-A. GRCh37 (hg19) VCF-style: chr22-50964246-C-A.
Other names: c.1402G>T, p.Ala468Ser (NM_001113755.3, NM_001113756.3, NM_001257988.1); c.1417G>T, p.Ala473Ser (NM_001257989.1); c.-14+429G>T (NM_001169109.2); c.-14+184G>T (NM_001169110.1); short protein forms A473S, A468S.
Identifiers: ClinVar variation 900505 (VCV000900505.6), dbSNP rs768582480, ClinGen allele CA10321408.